The following is an entry in ClinVar:

ClinVar aggregate classification (germline): Likely benign (0 of 4 stars; one submission).

Conditions:
DVL2-related disorder. Also called: DVL2-related condition.

Allele frequency attached by ClinVar (database versions not stated): gnomAD exomes below 0.00001; gnomAD 0.00001; TOPMed 0.00001.
gnomAD v4.1: 3 of 1,610,762 alleles (0.00019%); highest among the groups gnomAD compares: African/African-American, 0.0027%; no homozygotes.

Submission:

PreventionGenetics, part of Exact Sciences
Classification: Likely benign for DVL2-related condition. Last evaluated: 2019-05-01. Review status: no assertion criteria provided. Collection method: clinical testing. Allele origin: germline.
Comment: This variant is classified as likely benign based on ACMG/AMP sequence variant interpretation guidelines (Richards et al. 2015 PMID: 25741868, with internal and published modifications).

NM_004422.3(DVL2):c.656+8T>G

Genes: DVL2 (dishevelled segment polarity protein 2; minus strand), LOC126862480 (CDK7 strongly-dependent group 2 enhancer GRCh37_chr17:7132793-7133992; plus strand). Cytogenetic location: 17p13.1.
Variant type: single nucleotide variant.
Coding change: c.656+8T>G on transcript NM_004422.3 (MANE Select); 8 bases into the intron after coding-DNA position 656, T replaced by G.
Molecular consequence: intron variant.
Genome position (GRCh38, 1-based): chr17:7,229,800, A>C on the plus strand (T>G on the coding strand, the complement: DVL2 is on the minus strand). VCF-style: chr17-7229800-A-C. GRCh37 (hg19) VCF-style: chr17-7133119-A-C.
Identifiers: ClinVar variation 3038109 (VCV003038109.2), dbSNP rs940773303, ClinGen allele CA624860902.
Genomic context (GRCh38, chr17:7,229,800, plus strand): 5'-GAACAAGAGGATTGACTGGAAGACGAGACGGGGCTGGGTGCGCTGGGGAGAGCTGTGCGG[A>C]GCCACACCTGCTCATGGTGTCCTCCTCGTCCGAGTCCCCCAGGCTGGTACTCTCCAGCTC-3'